The following is an entry in ClinVar:

NM_002392.6(MDM2):c.1190G>A (p.Ser397Asn)

Gene: MDM2 (MDM2 proto-oncogene; plus strand). Cytogenetic location: 12q15.
Variant type: single nucleotide variant.
Coding change: c.1190G>A on transcript NM_002392.6 (MANE Select); coding-DNA position 1190, G replaced by A.
Protein change: p.Ser397Asn; replaces serine 397 with asparagine.
Molecular consequence: missense variant.
Genome position (GRCh38, 1-based): chr12:68,839,545, G>A. VCF-style: chr12-68839545-G-A. GRCh37 (hg19) VCF-style: chr12-69233325-G-A.
Other names: c.1031G>A, p.Ser344Asn (NM_001145337.3); c.1025G>A, p.Ser342Asn (NM_001145339.2); c.584G>A, p.Ser195Asn (NM_001145340.3); c.662G>A, p.Ser221Asn (NM_001278462.2); c.1172G>A, p.Ser391Asn (NM_001367990.1); c.1190G>A (NM_002392.3); short protein forms S342N, S344N, S391N, S195N, S221N, S397N.
Identifiers: ClinVar variation 2194542 (VCV002194542.5), dbSNP rs377036953, ClinGen allele CA6678869.

ClinVar aggregate classification (germline): Uncertain significance. Review status: criteria provided, multiple submitters, no conflicts (2 of 4 stars). 2 submissions from 2 submitters: Uncertain significance (2). Last evaluated 2025-10-19.

Conditions:
Accelerated tumor formation, susceptibility to (ACTFS). Identifiers: MedGen C3280690, OMIM 614401, MONDO:0013733.

Allele frequency attached by ClinVar (database versions not stated): ExAC 0.00001; gnomAD 0.00002; gnomAD exomes 0.00002; 1000 Genomes Project 30x 0.00016; 1000 Genomes Project 0.00020.
gnomAD v4.1: 39 of 1,613,848 alleles (0.0024%); highest among the groups gnomAD compares: South Asian, 0.032%; 1 homozygote.

Submissions (2):

Labcorp Genetics (formerly Invitae), Labcorp
Classification: Uncertain significance for Accelerated tumor formation, susceptibility to. Last evaluated: 2025-10-19. Review status: criteria provided, single submitter. Criteria: Invitae Variant Classification Sherloc (09022015). Collection method: clinical testing. Allele origin: germline.
Comment: This sequence change replaces serine, which is neutral and polar, with asparagine, which is neutral and polar, at codon 397 of the MDM2 protein (p.Ser397Asn). This variant is present in population databases (rs377036953, gnomAD 0.02%). This variant has not been reported in the literature in individuals affected with MDM2-related conditions. ClinVar contains an entry for this variant (Variation ID: 2194542). An algorithm developed to predict the effect of missense changes on protein structure and function (PolyPhen-2) suggests that this variant is likely to be disruptive. In summary, the available evidence is currently insufficient to determine the role of this variant in disease. Therefore, it has been classified as a Variant of Uncertain Significance.

Ambry Genetics
Classification: Uncertain significance. Last evaluated: 2023-10-10. Review status: criteria provided, single submitter. Criteria: Ambry Variant Classification Scheme 2023. Collection method: clinical testing. Allele origin: germline.